The following is an entry in ClinVar:

ClinVar aggregate classification (germline): Uncertain significance (1 of 4 stars; one submission).

Conditions:
Angelman syndrome (AS). Also called: HAPPY PUPPET SYNDROME. Identifiers: Orphanet 72, MedGen C0162635, MONDO:0007113, OMIM 105830. Disease mechanism: loss of function. Inheritance: AS is caused by disruption of maternally imprinted UBE3A located within the 15q11.2-q13 Angelman syndrome/Prader-Willi syndrome (AS/PWS) region., imprinting disorder.

Allele frequency attached by ClinVar (database versions not stated): ExAC 0.00001; gnomAD exomes 0.00001; gnomAD 0.00004 and 0.00005; TOPMed 0.00007.
gnomAD v4.1: 8 of 1,613,956 alleles (0.0005%); highest among the groups gnomAD compares: African/African-American, 0.0093%; no homozygotes.

Submission:

Labcorp Genetics (formerly Invitae), Labcorp
Classification: Uncertain significance for Angelman syndrome. Last evaluated: 2024-08-19. Review status: criteria provided, single submitter. Criteria: Invitae Variant Classification Sherloc (09022015). Collection method: clinical testing. Allele origin: germline.
Comment: This sequence change replaces valine, which is neutral and non-polar, with methionine, which is neutral and non-polar, at codon 365 of the UBE3A protein (p.Val365Met). This variant is present in population databases (rs763388142, gnomAD 0.01%). This variant has not been reported in the literature in individuals affected with UBE3A-related conditions. ClinVar contains an entry for this variant (Variation ID: 571708). Invitae Evidence Modeling of protein sequence and biophysical properties (such as structural, functional, and spatial information, amino acid conservation, physicochemical variation, residue mobility, and thermodynamic stability) has been performed for this missense variant. However, the output from this modeling did not meet the statistical confidence thresholds required to predict the impact of this variant on UBE3A protein function. In summary, the available evidence is currently insufficient to determine the role of this variant in disease. Therefore, it has been classified as a Variant of Uncertain Significance.

NM_130839.5(UBE3A):c.1153G>A (p.Val385Met)

Genes: SNHG14 (small nucleolar RNA host gene 14; plus strand), UBE3A (ubiquitin protein ligase E3A; minus strand). Cytogenetic location: 15q11.2.
Variant type: single nucleotide variant.
Coding change: c.1153G>A on transcript NM_130839.5 (MANE Select); coding-DNA position 1153, G replaced by A.
Protein change: p.Val385Met; replaces valine 385 with methionine.
Molecular consequence: missense variant. On other transcripts: non-coding transcript variant (1), intron variant (2).
Genome position (GRCh38, 1-based): chr15:25,371,021, C>T on the plus strand (G>A on the coding strand, the complement: UBE3A is on the minus strand). VCF-style: chr15-25371021-C-T. GRCh37 (hg19) VCF-style: chr15-25616168-C-T.
Other names: c.1162G>A, p.Val388Met (NM_000462.5); c.1153G>A, p.Val385Met (NM_001354505.1, NM_001354538.2, NM_001354545.2); c.1093G>A, p.Val365Met (NM_001354506.2, NM_001354507.2, NM_001354508.2 and 17 more transcripts); c.976G>A, p.Val326Met (NM_001354546.2); c.301+4444G>A (NM_001354551.2); c.361+4444G>A (NM_001354550.2); short protein forms V365M, V388M, V326M, V385M.
Identifiers: ClinVar variation 571708 (VCV000571708.6), dbSNP rs763388142, ClinGen allele CA7435556.